The following is an entry in ClinVar:

ClinVar aggregate classification (germline): Uncertain significance (1 of 4 stars; one submission).

Conditions:
Cataract 23 (CTRCT23). Also called: Cataract 23, multiple types; CATARACT 23, LAMELLAR. Identifiers: Orphanet 91492, MedGen C3808012, MONDO:0012489, OMIM 610425.

Submission:

Labcorp Genetics (formerly Invitae), Labcorp
Classification: Uncertain significance for Cataract 23. Last evaluated: 2022-07-30. Review status: criteria provided, single submitter. Criteria: Invitae Variant Classification Sherloc (09022015). Collection method: clinical testing. Allele origin: germline.
Comment: Algorithms developed to predict the effect of missense changes on protein structure and function are either unavailable or do not agree on the potential impact of this missense change (SIFT: "Deleterious"; PolyPhen-2: "Benign"; Align-GVGD: "Class C0"). This missense change has been observed in individual(s) with autosomal dominant congenital cataracts (Invitae). This variant is not present in population databases (gnomAD no frequency). This sequence change replaces phenylalanine, which is neutral and non-polar, with isoleucine, which is neutral and non-polar, at codon 57 of the CRYBA4 protein (p.Phe57Ile). In summary, the available evidence is currently insufficient to determine the role of this variant in disease. Therefore, it has been classified as a Variant of Uncertain Significance. This variant disrupts the p.Phe57 amino acid residue in CRYBA4. Other variant(s) that disrupt this residue have been observed in individuals with CRYBA4-related conditions (PMID: 31555371; Invitae), which suggests that this may be a clinically significant amino acid residue.

Literature cited by the submitters: PubMed 31555371.

NM_001886.3(CRYBA4):c.169T>A (p.Phe57Ile)

Gene: CRYBA4 (crystallin beta A4; plus strand). Cytogenetic location: 22q12.1.
Variant type: single nucleotide variant.
Coding change: c.169T>A on transcript NM_001886.3 (MANE Select); coding-DNA position 169, T replaced by A.
Protein change: p.Phe57Ile; replaces phenylalanine 57 with isoleucine.
Molecular consequence: missense variant.
Genome position (GRCh38, 1-based): chr22:26,625,491, T>A. VCF-style: chr22-26625491-T-A. GRCh37 (hg19) VCF-style: chr22-27021455-T-A.
Other names: short protein forms F57I.
Identifiers: ClinVar variation 2020622 (VCV002020622.4), dbSNP rs1929674480, ClinGen allele CA411037938.